The following is an entry in ClinVar:

ClinVar aggregate classification (germline): Uncertain significance. Review status: criteria provided, multiple submitters, no conflicts (2 of 4 stars). 2 submissions from 2 submitters: Uncertain significance (2). Last evaluated 2025-12-10.

Conditions:
Epidermolysis bullosa simplex with nail dystrophy (EBS5D). Identifiers: MedGen C4225309, MONDO:0014661, OMIM 616487.
Epidermolysis bullosa simplex, Ogna type (EBS5A). Also called: Pidermolysis bullosa simplex 5A, Ogna type; EPIDERMOLYSIS BULLOSA SIMPLEX 5A, OGNA TYPE. Identifiers: Orphanet 79401, MedGen C0432317, MONDO:0007555, OMIM 131950.
Autosomal recessive limb-girdle muscular dystrophy type 2Q (LGMDR17). Also called: MUSCULAR DYSTROPHY, LIMB-GIRDLE, AUTOSOMAL RECESSIVE 17. Identifiers: Orphanet 254361, MedGen C3150989, MONDO:0013390, OMIM 613723.
Epidermolysis bullosa simplex 5C, with pyloric atresia (EBS5C). Also called: PLEC-Related Epidermolysis Bullosa with Pyloric Atresia; Epidermolysis bullosa simplex with pyloric atresia; PLEC1-Related Epidermolysis Bullosa with Pyloric Atresia. Identifiers: Orphanet 158684, MedGen C2677349, MONDO:0012807, OMIM 612138.
Epidermolysis bullosa simplex 5B, with muscular dystrophy (EBS5B). Also called: EPIDERMOLYSIS BULLOSA SIMPLEX AND LIMB-GIRDLE MUSCULAR DYSTROPHY; Epidermolysis bullosa simplex with muscular dystrophy. Identifiers: Orphanet 257, MedGen C2931072, MONDO:0009181, OMIM 226670.

Allele frequency attached by ClinVar (database versions not stated): gnomAD 0.00001 and 0.00002; gnomAD exomes 0.00001 and 0.00002; TOPMed 0.00001; ExAC 0.00003; 1000 Genomes Project 0.00020; 1000 Genomes Project 30x 0.00031.
gnomAD v4.1: 28 of 1,613,364 alleles (0.0017%); highest among the groups gnomAD compares: Non-Finnish European, 0.0022%; no homozygotes.

Submissions (2):

Labcorp Genetics (formerly Invitae), Labcorp
Classification: Uncertain significance for Autosomal recessive limb-girdle muscular dystrophy type 2Q; Epidermolysis bullosa simplex, Ogna type; Epidermolysis bullosa simplex with nail dystrophy; Epidermolysis bullosa simplex 5C, with pyloric atresia; Epidermolysis bullosa simplex 5B, with muscular dystrophy. Last evaluated: 2025-12-10. Review status: criteria provided, single submitter. Criteria: Invitae Variant Classification Sherloc (09022015). Collection method: clinical testing. Allele origin: germline.
Comment: This sequence change replaces alanine, which is neutral and non-polar, with threonine, which is neutral and polar, at codon 2818 of the PLEC protein (p.Ala2818Thr). This variant is present in population databases (rs529109624, gnomAD 0.004%). This variant has not been reported in the literature in individuals affected with PLEC-related conditions. ClinVar contains an entry for this variant (Variation ID: 471661). An algorithm developed to predict the effect of missense changes on protein structure and function (PolyPhen-2) suggests that this variant is likely to be disruptive. In summary, the available evidence is currently insufficient to determine the role of this variant in disease. Therefore, it has been classified as a Variant of Uncertain Significance.

GeneDx
Classification: Uncertain significance. Last evaluated: 2019-03-26. Review status: criteria provided, single submitter. Criteria: GeneDx Variant Classification Process June 2021. Collection method: clinical testing. Allele origin: germline. Affected: yes.
Comment: Has not been previously published as pathogenic or benign to our knowledge; In silico analysis, which includes protein predictors and evolutionary conservation, supports a deleterious effect; Missense variant in a gene in which most reported pathogenic variants are truncating/loss-of-function

NM_201384.3(PLEC):c.8371G>A (p.Ala2791Thr)

Gene: PLEC (plectin; minus strand). Cytogenetic location: 8q24.3.
Variant type: single nucleotide variant.
Coding change: c.8371G>A on transcript NM_201384.3 (MANE Select); coding-DNA position 8371, G replaced by A.
Protein change: p.Ala2791Thr; replaces alanine 2791 with threonine.
Molecular consequence: missense variant.
Genome position (GRCh38, 1-based): chr8:143,921,450, C>T on the plus strand (G>A on the coding strand, the complement: PLEC is on the minus strand). VCF-style: chr8-143921450-C-T. GRCh37 (hg19) VCF-style: chr8-144995618-C-T.
Other names: c.8452G>A, p.Ala2818Thr (NM_000445.5); c.8329G>A, p.Ala2777Thr (NM_201378.4); c.8305G>A, p.Ala2769Thr (NM_201379.3); c.8782G>A, p.Ala2928Thr (NM_201380.4); c.8275G>A, p.Ala2759Thr (NM_201381.3); c.8371G>A, p.Ala2791Thr (NM_201382.4); c.8383G>A, p.Ala2795Thr (NM_201383.3); short protein forms A2759T, A2795T, A2769T, A2791T, A2818T, A2777T, A2928T.
Identifiers: ClinVar variation 471661 (VCV000471661.7), dbSNP rs529109624, ClinGen allele CA4925340.